The following is an entry in ClinVar:

ClinVar aggregate classification (germline): Uncertain significance (1 of 4 stars; one submission).

Conditions:
Immunodeficiency 132A. Also called: Herpes simplex encephalitis, susceptibility to, 3. Identifiers: Orphanet 1930, MedGen C3553868, MONDO:0013920, OMIM 614849.

Allele frequency attached by ClinVar (database versions not stated): gnomAD exomes below 0.00001.
gnomAD v4.1: 1 of 1,614,158 alleles (0.000062%); highest among the groups gnomAD compares: Non-Finnish European, 0.000085%; no homozygotes.

Submission:

Labcorp Genetics (formerly Invitae), Labcorp
Classification: Uncertain significance for Immunodeficiency 132A. Last evaluated: 2022-05-08. Review status: criteria provided, single submitter. Criteria: Invitae Variant Classification Sherloc (09022015). Collection method: clinical testing. Allele origin: germline.
Comment: This variant has not been reported in the literature in individuals affected with TRAF3-related conditions. In summary, the available evidence is currently insufficient to determine the role of this variant in disease. Therefore, it has been classified as a Variant of Uncertain Significance. Algorithms developed to predict the effect of missense changes on protein structure and function (SIFT, PolyPhen-2, Align-GVGD) all suggest that this variant is likely to be tolerated. This variant is not present in population databases (gnomAD no frequency). This sequence change replaces lysine, which is basic and polar, with glutamic acid, which is acidic and polar, at codon 42 of the TRAF3 protein (p.Lys42Glu).

NM_145725.3(TRAF3):c.124A>G (p.Lys42Glu)

Gene: TRAF3 (TNF receptor associated factor 3; plus strand). Cytogenetic location: 14q32.32.
Variant type: single nucleotide variant.
Coding change: c.124A>G on transcript NM_145725.3 (MANE Select); coding-DNA position 124, A replaced by G.
Protein change: p.Lys42Glu; replaces lysine 42 with glutamic acid.
Molecular consequence: missense variant.
Genome position (GRCh38, 1-based): chr14:102,870,325, A>G. VCF-style: chr14-102870325-A-G. GRCh37 (hg19) VCF-style: chr14-103336662-A-G.
Other names: c.124A>G, p.Lys42Glu (NM_001199427.2, NM_001385142.1, NM_001385143.1 and 2 more transcripts); short protein forms K42E.
Identifiers: ClinVar variation 2416215 (VCV002416215.8), dbSNP rs2542430783, ClinGen allele CA391069748.
Genomic context (GRCh38, chr14:102,870,325, plus strand): 5'-CACACTGACCGCAGTGCTGGGACGCCAGTTTTTGTCCCTGAACAAGGAGGTTACAAGGAA[A>G]AGTTTGTGAAGACCGTGGAGGACAAGTACAAGTGTGAGAAGTGCCACCTGGTGCTGTGCA-3'
Protein context (NP_663777.1, residues 32-52): FVPEQGGYKE[Lys42Glu]FVKTVEDKYK